The following is an entry in ClinVar:

NM_018979.4(WNK1):c.3193G>T (p.Ala1065Ser)

Gene: WNK1 (WNK lysine deficient protein kinase 1; plus strand). Cytogenetic location: 12p13.33.
Variant type: single nucleotide variant.
Coding change: c.3193G>T on transcript NM_018979.4 (MANE Select); coding-DNA position 3193, G replaced by T.
Protein change: p.Ala1065Ser; replaces alanine 1065 with serine.
Molecular consequence: missense variant.
Genome position (GRCh38, 1-based): chr12:881,773, G>T. VCF-style: chr12-881773-G-T. GRCh37 (hg19) VCF-style: chr12-990939-G-T.
Other names: c.3973G>T, p.Ala1325Ser (NM_001184985.2); c.2452G>T, p.Ala818Ser (NM_014823.3); c.3949G>T, p.Ala1317Ser (NM_213655.5); short protein forms A1065S, A1317S, A1325S, A818S.
Identifiers: ClinVar variation 4790605 (VCV004790605.1).

ClinVar aggregate classification (germline): Uncertain significance (1 of 4 stars; one submission).

Conditions:
Neuropathy, hereditary sensory and autonomic, type 2A (HSAN2A). Also called: WNK1-Related HSAN2 (HSAN2A); ACROOSTEOLYSIS, GIACCAI TYPE; ACROOSTEOLYSIS, NEUROGENIC; MORVAN DISEASE; NEUROPATHY, CONGENITAL SENSORY; NEUROPATHY, HEREDITARY SENSORY RADICULAR, AUTOSOMAL RECESSIVE. Identifiers: Orphanet 970, MedGen C2752089, MONDO:0024309, OMIM 201300.
Pseudohypoaldosteronism type 2C (PHA2C). Also called: Pseudohypoaldosteronism Type IIC. Identifiers: Orphanet 757, Orphanet 88940, MedGen C1840391, MONDO:0013778, OMIM 614492.

gnomAD v4.1: 2 of 1,614,186 alleles (0.00012%); highest among the groups gnomAD compares: Non-Finnish European, 0.00017%; no homozygotes.

Submission:

Labcorp Genetics (formerly Invitae), Labcorp
Classification: Uncertain significance for Neuropathy, hereditary sensory and autonomic, type 2A; Pseudohypoaldosteronism type 2C. Last evaluated: 2025-02-04. Review status: criteria provided, single submitter. Criteria: Invitae Variant Classification Sherloc (09022015). Collection method: clinical testing. Allele origin: germline.
Comment: This sequence change replaces alanine, which is neutral and non-polar, with serine, which is neutral and polar, at codon 1317 of the WNK1 protein (p.Ala1317Ser). The frequency data for this variant in the population databases is considered unreliable, as metrics indicate poor data quality at this position in the gnomAD database. This variant has not been reported in the literature in individuals affected with WNK1-related conditions. Invitae Evidence Modeling of protein sequence and biophysical properties (such as structural, functional, and spatial information, amino acid conservation, physicochemical variation, residue mobility, and thermodynamic stability) indicates that this missense variant is not expected to disrupt WNK1 protein function with a negative predictive value of 95%. In summary, the available evidence is currently insufficient to determine the role of this variant in disease. Therefore, it has been classified as a Variant of Uncertain Significance.